The following is an entry in ClinVar:

ClinVar aggregate classification (germline): Uncertain significance (1 of 4 stars; one submission).

Conditions:
Cutis laxa, autosomal dominant 3 (ADCL3). Identifiers: Orphanet 90348, MedGen C4225268, MONDO:0014706, OMIM 616603.
Autosomal dominant spastic paraplegia type 9. Identifiers: MedGen C1832669, MONDO:0015091.
de Barsy syndrome. Also called: Cutis laxa-corneal clouding-oligophrenia syndrome. Identifiers: Orphanet 2962, MedGen C0268354, MONDO:0017569.

Allele frequency attached by ClinVar (database versions not stated): gnomAD exomes below 0.00001.
gnomAD v4.1: 1 of 1,613,838 alleles (0.000062%); highest among the groups gnomAD compares: South Asian, 0.0011%; no homozygotes.

Submission:

Labcorp Genetics (formerly Invitae), Labcorp
Classification: Uncertain significance for Autosomal dominant spastic paraplegia type 9; de Barsy syndrome; Cutis laxa, autosomal dominant 3. Last evaluated: 2022-11-02. Review status: criteria provided, single submitter. Criteria: Invitae Variant Classification Sherloc (09022015). Collection method: clinical testing. Allele origin: germline.
Comment: In summary, the available evidence is currently insufficient to determine the role of this variant in disease. Therefore, it has been classified as a Variant of Uncertain Significance. Advanced modeling of protein sequence and biophysical properties (such as structural, functional, and spatial information, amino acid conservation, physicochemical variation, residue mobility, and thermodynamic stability) performed at Invitae indicates that this missense variant is not expected to disrupt ALDH18A1 protein function. This variant has not been reported in the literature in individuals affected with ALDH18A1-related conditions. This variant is not present in population databases (gnomAD no frequency). This sequence change replaces proline, which is neutral and non-polar, with serine, which is neutral and polar, at codon 382 of the ALDH18A1 protein (p.Pro382Ser).

NM_002860.4(ALDH18A1):c.1144C>T (p.Pro382Ser)

Gene: ALDH18A1 (aldehyde dehydrogenase 18 family member A1; minus strand). Cytogenetic location: 10q24.1.
Variant type: single nucleotide variant.
Coding change: c.1144C>T on transcript NM_002860.4 (MANE Select); coding-DNA position 1144, C replaced by T.
Protein change: p.Pro382Ser; replaces proline 382 with serine.
Molecular consequence: missense variant.
Genome position (GRCh38, 1-based): chr10:95,626,711, G>A on the plus strand (C>T on the coding strand, the complement: ALDH18A1 is on the minus strand). VCF-style: chr10-95626711-G-A. GRCh37 (hg19) VCF-style: chr10-97386468-G-A.
Other names: c.1138C>T, p.Pro380Ser (NM_001017423.2, NM_001323415.2); c.811C>T, p.Pro271Ser (NM_001323412.2, NM_001323416.2); c.1144C>T, p.Pro382Ser (NM_001323413.2, NM_001323414.2); c.1039C>T, p.Pro347Ser (NM_001323417.2); c.805C>T, p.Pro269Ser (NM_001323418.2); c.508C>T, p.Pro170Ser (NM_001323419.2); short protein forms P269S, P271S, P170S, P347S, P382S, P380S.
Identifiers: ClinVar variation 2945754 (VCV002945754.3), dbSNP rs2526820736, ClinGen allele CA377702913.